The following is an entry in ClinVar:

NM_015040.4(PIKFYVE):c.4937C>T (p.Pro1646Leu)

Gene: PIKFYVE (phosphoinositide kinase, FYVE-type zinc finger containing; plus strand). Cytogenetic location: 2q34.
Variant type: single nucleotide variant.
Coding change: c.4937C>T on transcript NM_015040.4 (MANE Select); coding-DNA position 4937, C replaced by T.
Protein change: p.Pro1646Leu; replaces proline 1646 with leucine.
Molecular consequence: missense variant.
Genome position (GRCh38, 1-based): chr2:208,342,559, C>T. VCF-style: chr2-208342559-C-T. GRCh37 (hg19) VCF-style: chr2-209207283-C-T.
Other names: short protein forms P1646L.
Identifiers: ClinVar variation 4885272 (VCV004885272.2).

ClinVar aggregate classification (germline): Uncertain significance (1 of 4 stars; one submission).

Submission:

Dasa
Classification: Uncertain significance. Last evaluated: 2024-11-04. Review status: criteria provided, single submitter. Criteria: DASA Assertion Criteria. Collection method: clinical testing. Allele origin: germline.
Comment: NM_015040.4(PIKFYVE):c.4937C>T (p.Pro1646Leu) is a missense variant that results in the substitution of proline with leucine. This variant is absent from population databases. The currently available literature and clinical evidence are not sufficient to establish a definitive association between this variant and the reported condition. Therefore, this variant is classified as a variant of uncertain significance.